The following is an entry in ClinVar:

NM_000179.3(MSH6):c.2659dup (p.Leu887fs)

Gene: MSH6 (mutS homolog 6; plus strand). Cytogenetic location: 2p16.3.
Variant type: Duplication.
Coding change: c.2659dup on transcript NM_000179.3 (MANE Select); coding-DNA position 2659, one base duplicated (C; older notation c.2659dupC).
Protein change: p.Leu887fs; shifts the reading frame from leucine 887.
Molecular consequence: frameshift variant. On other transcripts: non-coding transcript variant (5), intron variant (3).
Genome position (GRCh38, 1-based): chr2:47,800,642, C duplicated; the last of 2 consecutive C bases (chr2:47,800,641-47,800,642); duplicating either gives the same sequence. VCF-style (leftmost placement, unchanged base first): chr2-47800640-T-TC. GRCh37 (hg19) VCF-style: chr2-48027779-T-TC.
Other names: c.2659dupC (NM_000179.2); c.2362dup, p.Leu788fs (NM_001406822.1, NM_001406824.1, NM_001406825.1 and 10 more transcripts); c.1753dup, p.Leu585fs (NM_001406823.1, NM_001406829.1, NM_001406816.1 and 6 more transcripts); c.2491dup, p.Leu831fs (NM_001406826.1); c.2308+351dup (NM_001406803.1); c.1606+1053dup (NM_001406817.1); c.628-24dup (NM_001407362.1); c.2269dup, p.Leu757fs (NM_001281492.2); and 5 more; short protein forms L585fs, L712fs, L757fs, L788fs, L831fs, L861fs, L887fs, L889fs.
Identifiers: ClinVar variation 3773535 (VCV003773535.2).
Genomic context (GRCh38, chr2:47,800,640, plus strand): 5'-AAGTAATGTGTAAAATTATAGGGATCATGGAAGAAGTTGCTGATGGTTTTAAGTCTAAAA[T>TC]CCTTAAGCAGGTCATCTCTCTGCAGACAAAAAATCCTGAAGGTCGTTTTCCTGATTTGAC-3'

ClinVar aggregate classification (germline): Pathogenic. Review status: criteria provided, multiple submitters, no conflicts (2 of 4 stars). 2 submissions from 2 submitters: Pathogenic (2). Last evaluated 2026-03-20.

Conditions:
Hereditary cancer-predisposing syndrome. Also called: Hereditary Cancer Syndrome; Hereditary neoplastic syndrome; Neoplastic Syndromes, Hereditary; Tumor predisposition. Identifiers: Orphanet 140162, MedGen C0027672, MeSH D009386, MONDO:0015356.
Lynch syndrome 5 (LYNCH5). Also called: Colorectal cancer, hereditary nonpolyposis, type 5; Hereditary non-polyposis colorectal cancer, type 5. Identifiers: Orphanet 144, MedGen C1833477, MONDO:0013710, OMIM 614350. Disease mechanism: loss of function.

Submissions (2):

Ambry Genetics
Classification: Pathogenic for Hereditary cancer-predisposing syndrome. Last evaluated: 2026-03-20. Review status: criteria provided, single submitter. Criteria: Ambry Variant Classification Scheme 2023. Collection method: clinical testing. Allele origin: germline.
Comment: The c.2659dupC pathogenic mutation, located in coding exon 4 of the MSH6 gene, results from a duplication of C at nucleotide position 2659, causing a translational frameshift with a predicted alternate stop codon (p.L887Pfs*2). This variant is considered to be rare based on population cohorts in the Genome Aggregation Database (gnomAD). This alteration is expected to result in loss of function by premature protein truncation or nonsense-mediated mRNA decay. As such, this alteration is interpreted as a disease-causing mutation.

Myriad Genetics, Inc.
Classification: Pathogenic for Lynch syndrome 5. Last evaluated: 2024-11-25. Review status: criteria provided, single submitter. Criteria: Myriad Autosomal Dominant, Autosomal Recessive and X-Linked Classification Criteria (2023). Collection method: clinical testing. Allele origin: unknown.
Comment: This variant is considered pathogenic. This variant creates a frameshift predicted to result in premature protein truncation.